The following is an entry in ClinVar:

NM_006017.3(PROM1):c.400C>T (p.Arg134Cys)

Gene: PROM1 (prominin 1; minus strand). Cytogenetic location: 4p15.32.
Variant type: single nucleotide variant.
Coding change: c.400C>T on transcript NM_006017.3 (MANE Select); coding-DNA position 400, C replaced by T.
Protein change: p.Arg134Cys; replaces arginine 134 with cysteine.
Molecular consequence: missense variant.
Genome position (GRCh38, 1-based): chr4:16,033,413, G>A on the plus strand (C>T on the coding strand, the complement: PROM1 is on the minus strand). VCF-style: chr4-16033413-G-A. GRCh37 (hg19) VCF-style: chr4-16035036-G-A.
Other names: PROM1, ARG134CYS (rs768526003); c.373C>T, p.Arg125Cys (NM_001145847.2, NM_001145848.2, NM_001145851.2 and 4 more transcripts); c.400C>T, p.Arg134Cys (NM_001145849.2, NM_001145850.2); short protein forms R125C, R134C.
Identifiers: ClinVar variation 811942 (VCV000811942.12), dbSNP rs768526003, ClinGen allele CA2867078.

ClinVar aggregate classification (germline): Uncertain significance. Review status: criteria provided, multiple submitters, no conflicts (2 of 4 stars). 4 submissions from 4 submitters: Uncertain significance (3). 1 of the submissions does not count toward it. Last evaluated 2025-07-03.

Conditions:
Stargardt disease 4 (STGD4). Identifiers: Orphanet 827, MedGen C1863534, MONDO:0011370, OMIM 603786.

Allele frequency attached by ClinVar (database versions not stated): gnomAD 0.00001; TOPMed 0.00001; gnomAD exomes 0.00002; ExAC 0.00003.

Submissions (4):

Labcorp Genetics (formerly Invitae), Labcorp
Classification: Uncertain significance. Last evaluated: 2025-07-03. Review status: criteria provided, single submitter. Criteria: Invitae Variant Classification Sherloc (09022015). Collection method: clinical testing. Allele origin: germline.
Comment: This sequence change replaces arginine, which is basic and polar, with cysteine, which is neutral and slightly polar, at codon 134 of the PROM1 protein (p.Arg134Cys). This variant is present in population databases (rs768526003, gnomAD 0.004%). This missense change has been observed in individual(s) with clinical features of PROM1-related conditions (PMID: 31576780). ClinVar contains an entry for this variant (Variation ID: 811942). Invitae Evidence Modeling of protein sequence and biophysical properties (such as structural, functional, and spatial information, amino acid conservation, physicochemical variation, residue mobility, and thermodynamic stability) indicates that this missense variant is expected to disrupt PROM1 protein function with a positive predictive value of 80%. In summary, the available evidence is currently insufficient to determine the role of this variant in disease. Therefore, it has been classified as a Variant of Uncertain Significance.

Blueprint Genetics
Classification: Uncertain significance. Last evaluated: 2019-11-11. Review status: criteria provided, single submitter. Criteria: ACMG Guidelines, 2015. Collection method: clinical testing. Allele origin: germline.

ARUP Laboratories, Molecular Genetics and Genomics, ARUP Laboratories
Classification: Uncertain significance. Last evaluated: 2019-04-11. Review status: criteria provided, single submitter. Criteria: ARUP Molecular Germline Variant Investigation Process. Collection method: clinical testing. Allele origin: germline.
Comment: The PROM1 c.400C>T; p.Arg134Cys variant (rs749128711), to our knowledge, is not reported in the medical literature or gene-specific databases. The variant is reported in the general population in 2 out of 249008 alleles in the Genome Aggregation Database, indicating it is not a common polymorphism. The arginine at this position is highly conserved and computational algorithms (PolyPhen-2, SIFT) predict this variant is deleterious. Due to limited information, the clinical significance of the variant is uncertain at this time.

OMIM
Classification: Pathogenic for STARGARDT DISEASE 4. Last evaluated: 2024-02-29. Review status: no assertion criteria provided. Collection method: literature only. Allele origin: germline. Not counted in ClinVar's aggregate classification.

Literature cited by the submitters: PubMed 31576780 (cited by Labcorp Genetics (formerly Invitae), Labcorp and OMIM).